The following is an entry in ClinVar:

ClinVar aggregate classification (germline): Likely pathogenic (1 of 4 stars; one submission).

gnomAD v4.1: 1 of 1,614,086 alleles (0.000062%); highest among the groups gnomAD compares: Non-Finnish European, 0.000085%; no homozygotes.

Submission:

GeneDx
Classification: Likely pathogenic. Last evaluated: 2023-12-21. Review status: criteria provided, single submitter. Criteria: GeneDx Variant Classification Process June 2021. Collection method: clinical testing. Allele origin: germline. Affected: yes.
Comment: Not observed at significant frequency in large population cohorts (gnomAD); In silico analysis supports that this missense variant has a deleterious effect on protein structure/function; Has not been previously published as pathogenic or benign to our knowledge

NM_000875.5(IGF1R):c.346G>A (p.Ala116Thr)

Gene: IGF1R (insulin like growth factor 1 receptor; plus strand). Cytogenetic location: 15q26.3.
Variant type: single nucleotide variant.
Coding change: c.346G>A on transcript NM_000875.5 (MANE Select); coding-DNA position 346, G replaced by A.
Protein change: p.Ala116Thr; replaces alanine 116 with threonine.
Molecular consequence: missense variant.
Genome position (GRCh38, 1-based): chr15:98,707,813, G>A. VCF-style: chr15-98707813-G-A. GRCh37 (hg19) VCF-style: chr15-99251042-G-A.
Other names: c.346G>A, p.Ala116Thr (NM_001291858.2); short protein forms A116T.
Identifiers: ClinVar variation 3340623 (VCV003340623.1).
Genomic context (GRCh38, chr15:98,707,813, plus strand): 5'-CTCGGAGACCTCTTCCCCAACCTCACGGTCATCCGCGGCTGGAAACTCTTCTACAACTAC[G>A]CCCTGGTCATCTTCGAGATGACCAATCTCAAGGATATTGGGCTTTACAACCTGAGGAACA-3'
Protein context (NP_000866.1, residues 106-126): IRGWKLFYNY[Ala116Thr]LVIFEMTNLK